The following is an entry in ClinVar:

NM_018429.3(BDP1):c.7631G>T (p.Arg2544Ile)

Gene: BDP1 (BDP1 general transcription factor IIIB subunit; plus strand). Cytogenetic location: 5q13.2.
Variant type: single nucleotide variant.
Coding change: c.7631G>T on transcript NM_018429.3 (MANE Select); coding-DNA position 7631, G replaced by T.
Protein change: p.Arg2544Ile; replaces arginine 2544 with isoleucine.
Molecular consequence: missense variant.
Genome position (GRCh38, 1-based): chr5:71,562,408, G>T. VCF-style: chr5-71562408-G-T. GRCh37 (hg19) VCF-style: chr5-70858235-G-T.
Other names: short protein forms R2544I.
Identifiers: ClinVar variation 2207527 (VCV002207527.3), dbSNP rs1743737538, ClinGen allele CA359990032.

ClinVar aggregate classification (germline): Uncertain significance. Review status: criteria provided, multiple submitters, no conflicts (2 of 4 stars). 2 submissions from 2 submitters: Uncertain significance (2). Last evaluated 2025-10-10.

Conditions:
BDP1-related disorder. Also called: BDP1-related condition.

Allele frequency attached by ClinVar (database versions not stated): gnomAD exomes below 0.00001.
gnomAD v4.1: 7 of 1,613,908 alleles (0.00043%); highest among the groups gnomAD compares: African/African-American, 0.0067%; no homozygotes.

Submissions (2):

PreventionGenetics, part of Exact Sciences
Classification: Uncertain significance for BDP1-related condition. Last evaluated: 2025-10-10. Review status: criteria provided, single submitter. Criteria: ACMG Guidelines, 2015. Collection method: clinical testing. Allele origin: germline.
Comment: The BDP1 c.7631G>T variant is predicted to result in the amino acid substitution p.Arg2544Ile. To our knowledge, this variant has not been reported in the literature or in a large population database (gnomAD), indicating this variant is rare. At this time, the clinical significance of this variant is uncertain due to the absence of conclusive functional and genetic evidence.

Ambry Genetics
Classification: Uncertain significance. Last evaluated: 2022-04-06. Review status: criteria provided, single submitter. Criteria: Ambry Variant Classification Scheme 2023. Collection method: clinical testing. Allele origin: germline.